The following is an entry in ClinVar:

NM_024105.4(ALG12):c.508G>A (p.Ala170Thr)

Gene: ALG12 (ALG12 alpha-1,6-mannosyltransferase; minus strand). Cytogenetic location: 22q13.33.
Variant type: single nucleotide variant.
Coding change: c.508G>A on transcript NM_024105.4 (MANE Select); coding-DNA position 508, G replaced by A.
Protein change: p.Ala170Thr; replaces alanine 170 with threonine.
Molecular consequence: missense variant.
Genome position (GRCh38, 1-based): chr22:49,910,050, C>T on the plus strand (G>A on the coding strand, the complement: ALG12 is on the minus strand). VCF-style: chr22-49910050-C-T. GRCh37 (hg19) VCF-style: chr22-50303698-C-T.
Other names: short protein forms A170T.
Identifiers: ClinVar variation 1057050 (VCV001057050.6), dbSNP rs751491422, ClinGen allele CA10300567.

ClinVar aggregate classification (germline): Uncertain significance (1 of 4 stars; one submission).

Conditions:
ALG12-congenital disorder of glycosylation (CDG1G). Also called: Congenital disorder of glycosylation, type Ig; CDG Ig; ALG12-CDG. Identifiers: Orphanet 79324, MedGen C2931001, MONDO:0011783, OMIM 607143.

Allele frequency attached by ClinVar (database versions not stated): ExAC 0.00001; gnomAD 0.00001; gnomAD exomes 0.00001; TOPMed 0.00003.
gnomAD v4.1: 6 of 1,612,486 alleles (0.00037%); highest among the groups gnomAD compares: Admixed American, 0.01%; no homozygotes.

Submission:

Labcorp Genetics (formerly Invitae), Labcorp
Classification: Uncertain significance for ALG12-congenital disorder of glycosylation. Last evaluated: 2022-06-13. Review status: criteria provided, single submitter. Criteria: Invitae Variant Classification Sherloc (09022015). Collection method: clinical testing. Allele origin: germline.
Comment: This sequence change replaces alanine, which is neutral and non-polar, with threonine, which is neutral and polar, at codon 170 of the ALG12 protein (p.Ala170Thr). This variant is present in population databases (rs751491422, gnomAD 0.009%). This variant has not been reported in the literature in individuals affected with ALG12-related conditions. ClinVar contains an entry for this variant (Variation ID: 1057050). Algorithms developed to predict the effect of missense changes on protein structure and function output the following: SIFT: "Tolerated"; PolyPhen-2: "Benign"; Align-GVGD: "Class C0". The threonine amino acid residue is found in multiple mammalian species, which suggests that this missense change does not adversely affect protein function. In summary, the available evidence is currently insufficient to determine the role of this variant in disease. Therefore, it has been classified as a Variant of Uncertain Significance.